The following is an entry in ClinVar:

ClinVar aggregate classification (germline): Uncertain significance. Review status: criteria provided, multiple submitters, no conflicts (2 of 4 stars). 3 submissions from 3 submitters: Uncertain significance (3). Last evaluated 2025-07-30.

Conditions:
Hereditary cancer-predisposing syndrome. Also called: Tumor predisposition; Neoplastic Syndromes, Hereditary; Hereditary neoplastic syndrome; Hereditary Cancer Syndrome. Identifiers: Orphanet 140162, MedGen C0027672, MeSH D009386, MONDO:0015356.
BAP1-related tumor predisposition syndrome (TPDS1). Also called: Tumor susceptibility linked to germline BAP1 mutations; BAP1 tumor predisposition syndrome; COMMON Syndrome; TUMOR PREDISPOSITION SYNDROME 1. Identifiers: Orphanet 289539, MedGen C3280492, MONDO:0013692, OMIM 614327.

Allele frequency attached by ClinVar (database versions not stated): gnomAD exomes 0.00001.

Submissions (3):

Labcorp Genetics (formerly Invitae), Labcorp
Classification: Uncertain significance for BAP1-related tumor predisposition syndrome. Last evaluated: 2025-07-30. Review status: criteria provided, single submitter. Criteria: Invitae Variant Classification Sherloc (09022015). Collection method: clinical testing. Allele origin: germline.
Comment: This sequence change falls in intron 14 of the BAP1 gene. It does not directly change the encoded amino acid sequence of the BAP1 protein. It affects a nucleotide within the consensus splice site. This variant is present in population databases (no rsID available, gnomAD 0.006%). This variant has not been reported in the literature in individuals affected with BAP1-related conditions. ClinVar contains an entry for this variant (Variation ID: 631421). Variants that disrupt the consensus splice site are a relatively common cause of aberrant splicing (PMID: 17576681, 9536098). Algorithms developed to predict the effect of sequence changes on RNA splicing suggest that this variant may disrupt the consensus splice site. In summary, the available evidence is currently insufficient to determine the role of this variant in disease. Therefore, it has been classified as a Variant of Uncertain Significance.

Ambry Genetics
Classification: Uncertain significance for Hereditary cancer-predisposing syndrome. Last evaluated: 2022-12-07. Review status: criteria provided, single submitter. Criteria: Ambry Variant Classification Scheme 2023. Collection method: clinical testing. Allele origin: germline.
Comment: The c.1890+5G>A intronic variant results from a G to A substitution 5 nucleotides after coding exon 14 in the BAP1 gene. This nucleotide position is not well conserved in available vertebrate species. In silico splice site analysis predicts that this alteration will result in the creation or strengthening of a novel splice donor site; however, direct evidence is insufficient at this time (Ambry internal data). Since supporting evidence is limited at this time, the clinical significance of this alteration remains unclear.

Color Diagnostics, LLC DBA Color Health
Classification: Uncertain significance for Hereditary cancer-predisposing syndrome. Last evaluated: 2019-03-17. Review status: criteria provided, single submitter. Criteria: ACMG Guidelines, 2015. Collection method: clinical testing. Allele origin: germline.

Literature cited by the submitters: PubMed 17576681 (cited by Labcorp Genetics (formerly Invitae), Labcorp); PubMed 9536098 (cited by Labcorp Genetics (formerly Invitae), Labcorp).

NM_004656.4(BAP1):c.1890+5G>A

Gene: BAP1 (BRCA1 associated deubiquitinase 1; minus strand). Cytogenetic location: 3p21.1.
Variant type: single nucleotide variant.
Coding change: c.1890+5G>A on transcript NM_004656.4 (MANE Select); 5 bases into the intron after coding-DNA position 1890, G replaced by A.
Molecular consequence: intron variant.
Genome position (GRCh38, 1-based): chr3:52,403,133, C>T on the plus strand (G>A on the coding strand, the complement: BAP1 is on the minus strand). VCF-style: chr3-52403133-C-T. GRCh37 (hg19) VCF-style: chr3-52437149-C-T.
Other names: c.1890+5G>A (NM_004656.2).
Identifiers: ClinVar variation 631421 (VCV000631421.10), dbSNP rs1226269496, ClinGen allele CA543056564.